The following is an entry in ClinVar:

ClinVar aggregate classification (germline): Benign. Review status: criteria provided, single submitter (1 of 4 stars). 2 submissions from 2 submitters: Benign (1). 1 of the submissions does not count toward it. Last evaluated 2019-12-31.

Conditions:
KLF4-related disorder. Also called: KLF4-related condition.

Allele frequency attached by ClinVar (database versions not stated): ExAC 0.00145; 1000 Genomes Project 0.00359; 1000 Genomes Project 30x 0.00375; gnomAD 0.00424 and 0.00396; TOPMed 0.00429; ESP Exome Variant Server 0.00392.
gnomAD v4.1: 1,260 of 1,614,144 alleles (0.078%); highest among the groups gnomAD compares: African/African-American, 1.3%; 9 homozygotes.

Submissions (2):

Labcorp Genetics (formerly Invitae), Labcorp
Classification: Benign. Last evaluated: 2019-12-31. Review status: criteria provided, single submitter. Criteria: Invitae Variant Classification Sherloc (09022015). Collection method: clinical testing. Allele origin: germline.

PreventionGenetics, part of Exact Sciences
Classification: Benign for KLF4-related condition. Last evaluated: 2019-05-20. Review status: no assertion criteria provided. Collection method: clinical testing. Allele origin: germline. Not counted in ClinVar's aggregate classification.
Comment: This variant is classified as benign based on ACMG/AMP sequence variant interpretation guidelines (Richards et al. 2015 PMID: 25741868, with internal and published modifications).

NM_004235.6(KLF4):c.1158A>G (p.Arg386=)

Gene: KLF4 (KLF transcription factor 4; minus strand). Cytogenetic location: 9q31.2.
Variant type: single nucleotide variant.
Coding change: c.1158A>G on transcript NM_004235.6 (MANE Select); coding-DNA position 1158, A replaced by G.
Protein change: p.Arg386=; no amino-acid change (arginine 386 retained).
Molecular consequence: synonymous variant.
Genome position (GRCh38, 1-based): chr9:107,487,134, T>C on the plus strand (A>G on the coding strand, the complement: KLF4 is on the minus strand). VCF-style: chr9-107487134-T-C. GRCh37 (hg19) VCF-style: chr9-110249415-T-C.
Other names: c.1260A>G, p.Arg420= (NM_001314052.2); c.1260A>G (NM_001314052.1).
Identifiers: ClinVar variation 720675 (VCV000720675.6), dbSNP rs45596731, ClinGen allele CA5173080.
Genomic context (GRCh38, chr9:107,487,134, plus strand): 5'-GGTTTTGCCGCAGCCCGCGTAATCACAAGTGTGGGTGGCGGTCCTTTTCCGGGGCCACGA[T>C]CGTCTTCCCCTCTTTGGCTTGGGCTCCTCTGGCATGCAGGAACCGGGTGGCATGAGCTCT-3'
Protein context (NP_004226.3, residues 376-396): PEEPKPKRGR[Arg386=]SWPRKRTATH